The following is an entry in ClinVar:

NM_002878.4(RAD51D):c.818G>C (p.Ser273Thr)

Genes: RAD51D (RAD51 paralog D; minus strand), RAD51L3-RFFL (RAD51L3-RFFL readthrough; minus strand). Cytogenetic location: 17q12.
Variant type: single nucleotide variant.
Coding change: c.818G>C on transcript NM_002878.4 (MANE Select); coding-DNA position 818, G replaced by C.
Protein change: p.Ser273Thr; replaces serine 273 with threonine.
Molecular consequence: missense variant. On other transcripts: non-coding transcript variant (3).
Genome position (GRCh38, 1-based): chr17:35,101,286, C>G on the plus strand (G>C on the coding strand, the complement: RAD51D is on the minus strand). VCF-style: chr17-35101286-C-G. GRCh37 (hg19) VCF-style: chr17-33428305-C-G.
Other names: c.482G>C, p.Ser161Thr (NM_133629.3); c.878G>C, p.Ser293Thr (NM_001142571.2); short protein forms S293T, S161T, S273T.
Identifiers: ClinVar variation 1762347 (VCV001762347.2), dbSNP rs2142411742, ClinGen allele CA399086760.

ClinVar aggregate classification (germline): Uncertain significance (1 of 4 stars; one submission).

Conditions:
Hereditary cancer-predisposing syndrome. Also called: Neoplastic Syndromes, Hereditary; Tumor predisposition; Hereditary Cancer Syndrome; Hereditary neoplastic syndrome. Identifiers: Orphanet 140162, MedGen C0027672, MeSH D009386, MONDO:0015356.

Submission:

Ambry Genetics
Classification: Uncertain significance for Hereditary cancer-predisposing syndrome. Last evaluated: 2021-05-18. Review status: criteria provided, single submitter. Criteria: Ambry Variant Classification Scheme 2023. Collection method: clinical testing. Allele origin: germline.
Comment: The p.S273T variant (also known as c.818G>C), located in coding exon 9 of the RAD51D gene, results from a G to C substitution at nucleotide position 818. The serine at codon 273 is replaced by threonine, an amino acid with similar properties. This amino acid position is not well conserved in available vertebrate species. In addition, this alteration is predicted to be tolerated by in silico analysis. Since supporting evidence is limited at this time, the clinical significance of this alteration remains unclear.